The following is an entry in ClinVar:

NM_206933.4(USH2A):c.2111G>A (p.Gly704Glu)

Gene: USH2A (usherin; minus strand). Cytogenetic location: 1q41.
Variant type: single nucleotide variant.
Coding change: c.2111G>A on transcript NM_206933.4 (MANE Select); coding-DNA position 2111, G replaced by A.
Protein change: p.Gly704Glu; replaces glycine 704 with glutamic acid.
Molecular consequence: missense variant.
Genome position (GRCh38, 1-based): chr1:216,250,959, C>T on the plus strand (G>A on the coding strand, the complement: USH2A is on the minus strand). VCF-style: chr1-216250959-C-T. GRCh37 (hg19) VCF-style: chr1-216424301-C-T.
Other names: c.2111G>A, p.Gly704Glu (NM_007123.6); c.2111G>A (NM_206933.2); short protein forms G704E.
Identifiers: ClinVar variation 1486834 (VCV001486834.4), dbSNP rs1039358341, ClinGen allele CA37503674.
Genomic context (GRCh38, chr1:216,250,959, plus strand): 5'-GTACCAATAACGTTTGCTTTGCACTTGCACTGGCCTGAATTTTGGTGACAGGTAATATCT[C>T]CATCCACTGTCCCAGAGGTATTGCAGTTACAGGGACTGCAGCCATCAGGATCCAACTCTT-3'
Protein context (NP_996816.3, residues 694-714): CNCNTSGTVD[Gly704Glu]DITCHQNSGQ

ClinVar aggregate classification (germline): Uncertain significance. Review status: criteria provided, multiple submitters, no conflicts (2 of 4 stars). 2 submissions from 2 submitters: Uncertain significance (2). Last evaluated 2024-10-25.

Conditions:
Inborn genetic diseases. Identifiers: MedGen C0950123, MeSH D030342.

Allele frequency attached by ClinVar (database versions not stated): gnomAD 0.00001.
gnomAD v4.1: 1 of 1,613,920 alleles (0.000062%); no homozygotes.

Submissions (2):

Ambry Genetics
Classification: Uncertain significance for Inborn genetic diseases. Last evaluated: 2024-10-25. Review status: criteria provided, single submitter. Criteria: Ambry Variant Classification Scheme 2023. Collection method: clinical testing. Allele origin: germline.

Labcorp Genetics (formerly Invitae), Labcorp
Classification: Uncertain significance. Last evaluated: 2022-03-18. Review status: criteria provided, single submitter. Criteria: Invitae Variant Classification Sherloc (09022015). Collection method: clinical testing. Allele origin: germline.
Comment: This sequence change replaces glycine, which is neutral and non-polar, with glutamic acid, which is acidic and polar, at codon 704 of the USH2A protein (p.Gly704Glu). The frequency data for this variant in the population databases is considered unreliable, as metrics indicate poor data quality at this position in the gnomAD database. This variant has not been reported in the literature in individuals affected with USH2A-related conditions. Algorithms developed to predict the effect of missense changes on protein structure and function are either unavailable or do not agree on the potential impact of this missense change (SIFT: "Deleterious"; PolyPhen-2: "Probably Damaging"; Align-GVGD: "Class C0"). In summary, the available evidence is currently insufficient to determine the role of this variant in disease. Therefore, it has been classified as a Variant of Uncertain Significance.